The following is an entry in ClinVar:

NM_001414.4(EIF2B1):c.292G>T (p.Glu98Ter)

Gene: EIF2B1 (eukaryotic translation initiation factor 2B subunit alpha; minus strand). Cytogenetic location: 12q24.31.
Variant type: single nucleotide variant.
Coding change: c.292G>T on transcript NM_001414.4 (MANE Select); coding-DNA position 292, G replaced by T.
Protein change: p.Glu98Ter; replaces glutamic acid 98 with a stop codon.
Molecular consequence: nonsense.
Genome position (GRCh38, 1-based): chr12:123,630,246, C>A on the plus strand (G>T on the coding strand, the complement: EIF2B1 is on the minus strand). VCF-style: chr12-123630246-C-A. GRCh37 (hg19) VCF-style: chr12-124114793-C-A.
Other names: short protein forms E98*.
Identifiers: ClinVar variation 2846761 (VCV002846761.3), dbSNP rs757985338, ClinGen allele CA6860181.

ClinVar aggregate classification (germline): Pathogenic (1 of 4 stars; one submission).

Allele frequency attached by ClinVar (database versions not stated): ExAC 0.00001.

Submission:

Labcorp Genetics (formerly Invitae), Labcorp
Classification: Pathogenic. Last evaluated: 2023-10-20. Review status: criteria provided, single submitter. Criteria: Invitae Variant Classification Sherloc (09022015). Collection method: clinical testing. Allele origin: germline.
Comment: This sequence change creates a premature translational stop signal (p.Glu98*) in the EIF2B1 gene. It is expected to result in an absent or disrupted protein product. Loss-of-function variants in EIF2B1 are known to be pathogenic (PMID: 11835386, 32865661). This variant is not present in population databases (gnomAD no frequency). This variant has not been reported in the literature in individuals affected with EIF2B1-related conditions. For these reasons, this variant has been classified as Pathogenic.

Literature cited by the submitters: PubMed 11835386; PubMed 32865661.